The following is an entry in ClinVar:

NM_001033855.3(DCLRE1C):c.780+6T>C

Gene: DCLRE1C (DNA cross-link repair 1C; minus strand). Cytogenetic location: 10p13.
Variant type: single nucleotide variant.
Coding change: c.780+6T>C on transcript NM_001033855.3 (MANE Select); 6 bases into the intron after coding-DNA position 780, T replaced by C.
Molecular consequence: intron variant.
Genome position (GRCh38, 1-based): chr10:14,932,848, A>G on the plus strand (T>C on the coding strand, the complement: DCLRE1C is on the minus strand). VCF-style: chr10-14932848-A-G. GRCh37 (hg19) VCF-style: chr10-14974847-A-G.
Other names: c.435+6T>C (NM_001350966.2, NM_001289078.2, NM_001289076.2 and 1 more transcripts); c.780+6T>C (NM_001350965.2); c.420+6T>C (NM_001350967.2, NM_001289077.2, NM_001289079.2 and 2 more transcripts).
Identifiers: ClinVar variation 2025824 (VCV002025824.4), dbSNP rs745917460, ClinGen allele CA1892358531.

ClinVar aggregate classification (germline): Uncertain significance (1 of 4 stars; one submission).

Conditions:
Severe combined immunodeficiency due to DCLRE1C deficiency (RS-SCID). Also called: SCID, AUTOSOMAL RECESSIVE, T CELL-NEGATIVE, B CELL-NEGATIVE, NK CELL-POSITIVE, WITH SENSITIVITY TO IONIZING RADIATION. Identifiers: Orphanet 275, MedGen C1865371, MONDO:0011225, OMIM 602450.

Submission:

Labcorp Genetics (formerly Invitae), Labcorp
Classification: Uncertain significance for Athabaskan severe combined immunodeficiency. Last evaluated: 2022-08-21. Review status: criteria provided, single submitter. Criteria: Invitae Variant Classification Sherloc (09022015). Collection method: clinical testing. Allele origin: germline.
Comment: In summary, the available evidence is currently insufficient to determine the role of this variant in disease. Therefore, it has been classified as a Variant of Uncertain Significance. Variants that disrupt the consensus splice site are a relatively common cause of aberrant splicing (PMID: 17576681, 9536098). Algorithms developed to predict the effect of sequence changes on RNA splicing suggest that this variant is not likely to affect RNA splicing. This variant has not been reported in the literature in individuals affected with DCLRE1C-related conditions. This variant is not present in population databases (gnomAD no frequency). This sequence change falls in intron 9 of the DCLRE1C gene. It does not directly change the encoded amino acid sequence of the DCLRE1C protein. It affects a nucleotide within the consensus splice site.

Literature cited by the submitters: PubMed 17576681; PubMed 9536098.